The following is an entry in ClinVar:

ClinVar aggregate classification (germline): Likely benign (1 of 4 stars; one submission).

Allele frequency attached by ClinVar (database versions not stated): 1000 Genomes Project 30x 0.00437; 1000 Genomes Project 0.00479; gnomAD 0.00946 and 0.00959; TOPMed 0.00948.
gnomAD v4.1: 1,426 of 152,318 alleles (0.94%); highest among the groups gnomAD compares: Non-Finnish European, 1.6%; 9 homozygotes.

Submission:

GeneDx
Classification: Likely benign. Last evaluated: 2018-06-16. Review status: criteria provided, single submitter. Criteria: GeneDx Variant Classification (06012015). Collection method: clinical testing. Allele origin: germline. Affected: yes.
Comment: This variant is considered likely benign or benign based on one or more of the following criteria: it is a conservative change, it occurs at a poorly conserved position in the protein, it is predicted to be benign by multiple in silico algorithms, and/or has population frequency not consistent with disease.

NM_020778.5(ALPK3):c.183-248C>G

Gene: ALPK3 (alpha kinase 3; plus strand). Cytogenetic location: 15q25.3.
Variant type: single nucleotide variant.
Coding change: c.183-248C>G on transcript NM_020778.5 (MANE Select); 248 bases into the intron before coding-DNA position 183, C replaced by G.
Molecular consequence: intron variant.
Genome position (GRCh38, 1-based): chr15:84,827,236, C>G. VCF-style: chr15-84827236-C-G. GRCh37 (hg19) VCF-style: chr15-85370467-C-G.
Identifiers: ClinVar variation 679889 (VCV000679889.1), dbSNP rs79825359, ClinGen allele CA15849719.